The following is an entry in ClinVar:

ClinVar aggregate classification (germline): Pathogenic. Review status: criteria provided, multiple submitters, no conflicts (2 of 4 stars). 2 submissions from 2 submitters: Pathogenic (2). Last evaluated 2024-08-20.

Conditions:
EDA-related disorder. Also called: EDA-related disorders; EDA-related condition.
Hypohidrotic X-linked ectodermal dysplasia (XHED). Also called: Anhidrotic ectodermal dysplasia X-linked; Christ Siemens Touraine syndrome; ECTODERMAL DYSPLASIA 1, HYPOHIDROTIC, X-LINKED; ECTODERMAL DYSPLASIA 1, HYPOHIDROTIC/HAIR/TOOTH TYPE, X-LINKED; Christ-Siemans-Touraine syndrome; ECTODERMAL DYSPLASIA, HYPOHIDROTIC, 1. Identifiers: Orphanet 181, Orphanet 238468, MedGen C0162359, MONDO:0010585, OMIM 305100.

Submissions (2):

Blueprint Genetics
Classification: Pathogenic for EDA-related disorders. Last evaluated: 2024-08-20. Review status: criteria provided, single submitter. Criteria: ACMG Guidelines, 2015. Collection method: clinical testing. Allele origin: germline. Affected: yes. Observed: 1 variant allele.

Laboratory for Molecular Medicine, Mass General Brigham Personalized Medicine
Classification: Pathogenic for Hypohidrotic X-linked ectodermal dysplasia. Last evaluated: 2013-08-21. Review status: criteria provided, single submitter. Criteria: LMM Criteria. Collection method: clinical testing. Allele origin: germline. Inheritance: X-linked inheritance. Observed: 1 variant allele.
Comment: The Trp274X variant in EDA has previously been reported in 2 individuals with X- linked hypohidrotic ectodermal dysplasia (Paakkonen 2001, Schneider 2001) and wa s not identified in large population studies. This nonsense variant leads to a p remature termination codon at position 274, which is predicted to lead to a trun cated or absent protein. Loss of function of the EDA gene is an established dise ase mechanism in X-linked hypohidrotic ectodermal dysplasia patients. In summary , this variant meets our criteria to be classified as pathogenic.

Literature cited by the submitters: PubMed 11295832 (cited by Laboratory for Molecular Medicine, Mass General Brigham Personalized Medicine); PubMed 11279189 (cited by Laboratory for Molecular Medicine, Mass General Brigham Personalized Medicine).

NM_001399.5(EDA):c.822G>A (p.Trp274Ter)

Gene: EDA (ectodysplasin A; plus strand). Cytogenetic location: Xq13.1.
Variant type: single nucleotide variant.
Coding change: c.822G>A on transcript NM_001399.5 (MANE Select); coding-DNA position 822, G replaced by A.
Protein change: p.Trp274Ter; replaces tryptophan 274 with a stop codon.
Molecular consequence: nonsense.
Genome position (GRCh38, 1-based): chrX:70,033,426, G>A. VCF-style: chrX-70033426-G-A. GRCh37 (hg19) VCF-style: chrX-69253276-G-A.
Other names: c.822G>A, p.Trp274Ter (NM_001005609.2); c.813G>A, p.Trp271Ter (NM_001005612.3); short protein forms W274*, W271*.
Identifiers: ClinVar variation 163321 (VCV000163321.5), dbSNP rs397516675, ClinGen allele CA273144.
Genomic context (GRCh38, chrX:70,033,426, plus strand): 5'-GTACTGAGTGACTGCCCTTCTCTCATACTGAGATCTTTCAGGTGGAGTGCTCAATGACTG[G>A]TCTCGCATCACTATGAACCCCAAGGTGTTTAAGCTACATCCCCGCAGCGGGGAGCTGGAG-3'